The following is an entry in ClinVar:

ClinVar aggregate classification (germline): Likely pathogenic (1 of 4 stars; one submission).

Conditions:
Familial cancer of breast. Also called: Hereditary breast cancer; BREAST CANCER, FAMILIAL; hereditary breast carcinoma. Identifiers: Orphanet 227535, MedGen C0346153, MONDO:0016419, OMIM 114480. Disease mechanism: loss of function.

Submission:

Labcorp Genetics (formerly Invitae), Labcorp
Classification: Likely pathogenic for Familial cancer of breast. Last evaluated: 2023-09-08. Review status: criteria provided, single submitter. Criteria: Invitae Variant Classification Sherloc (09022015). Collection method: clinical testing. Allele origin: germline.
Comment: This sequence change creates a premature translational stop signal (p.Met491Ilefs*22) in the CHEK2 gene. While this is not anticipated to result in nonsense mediated decay, it is expected to disrupt the last 52 amino acid(s) of the CHEK2 protein. This variant is not present in population databases (gnomAD no frequency). This variant has not been reported in the literature in individuals affected with CHEK2-related conditions. In summary, the currently available evidence indicates that the variant is pathogenic, but additional data are needed to prove that conclusively. Therefore, this variant has been classified as Likely Pathogenic. This variant disrupts the nuclear localization signal (NLS) of the CHEK2 protein, which is critical for proper nuclear localization (PMID: 18004398, 12909615). While functional studies have not been performed to directly test the effect of this variant on CHEK2 protein function, this suggests that disruption of this region of the protein is causative of disease.

Literature cited by the submitters: PubMed 18004398; PubMed 12909615.

NM_007194.4(CHEK2):c.1473del (p.Met491fs)

Gene: CHEK2 (checkpoint kinase 2; minus strand). Cytogenetic location: 22q12.1.
Variant type: Deletion.
Coding change: c.1473del on transcript NM_007194.4 (MANE Select); coding-DNA position 1473, one base deleted (G; older notation c.1473delG).
Protein change: p.Met491fs; shifts the reading frame from methionine 491.
Molecular consequence: frameshift variant.
Genome position (GRCh38, 1-based): chr22:28,689,204, C deleted on the plus strand (G on the coding strand, the reverse complement: CHEK2 is on the minus strand). VCF-style (leftmost placement, unchanged base first): chr22-28689203-TC-T. GRCh37 (hg19) VCF-style: chr22-29085191-TC-T.
Other names: c.1602delG, p.Met534Ilefs (NM_001005735.3); c.810delG, p.Met270Ilefs (NM_001257387.3); c.1272delG, p.Met424Ilefs (NM_001349956.3); c.1386delG, p.Met462Ilefs (NM_145862.3); short protein forms M424fs, M491fs, M462fs, M534fs, M270fs.
Identifiers: ClinVar variation 2758807 (VCV002758807.3), dbSNP rs2517758460, ClinGen allele CA2697552616.